The following is an entry in ClinVar:

ClinVar aggregate classification (germline): Uncertain significance (1 of 4 stars; one submission).

Conditions:
Cardiovascular phenotype. Identifiers: MedGen CN230736.

Allele frequency attached by ClinVar (database versions not stated): gnomAD exomes below 0.00001.
gnomAD v4.1: 2 of 1,613,544 alleles (0.00012%); highest among the groups gnomAD compares: East Asian, 0.0022%; no homozygotes.

Submission:

Ambry Genetics
Classification: Uncertain significance for Cardiovascular phenotype. Last evaluated: 2023-12-26. Review status: criteria provided, single submitter. Criteria: Ambry Variant Classification Scheme 2023. Collection method: clinical testing. Allele origin: germline.
Comment: The c.180G>A variant (also known as p.V60V), located in coding exon 2 of the CSRP3 gene, results from a G to A substitution at nucleotide position 180. This nucleotide substitution does not change the valine at codon 60. This nucleotide position is poorly conserved in available vertebrate species. In silico splice site analysis predicts that this alteration will result in the creation or strengthening of a novel splice donor site. Since supporting evidence is limited at this time, the clinical significance of this alteration remains unclear.

NM_003476.5(CSRP3):c.180G>A (p.Val60=)

Gene: CSRP3 (cysteine and glycine rich protein 3; minus strand). Cytogenetic location: 11p15.1.
Variant type: single nucleotide variant.
Coding change: c.180G>A on transcript NM_003476.5 (MANE Select); coding-DNA position 180, G replaced by A.
Protein change: p.Val60=; no amino-acid change (valine 60 retained).
Molecular consequence: synonymous variant. On other transcripts: intron variant (1).
Genome position (GRCh38, 1-based): chr11:19,188,237, C>T on the plus strand (G>A on the coding strand, the complement: CSRP3 is on the minus strand). VCF-style: chr11-19188237-C-T. GRCh37 (hg19) VCF-style: chr11-19209784-C-T.
Other names: c.180G>A, p.Val60= (NM_001127656.1); c.113-1889G>A (NM_001369404.1).
Identifiers: ClinVar variation 3223380 (VCV003223380.1), dbSNP rs1486426254, ClinGen allele CA473394884.